The following is an entry in ClinVar:

ClinVar aggregate classification (germline): Uncertain significance (1 of 4 stars; one submission).

Conditions:
Hereditary cancer-predisposing syndrome. Also called: Neoplastic Syndromes, Hereditary; Tumor predisposition; Hereditary Cancer Syndrome; Hereditary neoplastic syndrome. Identifiers: Orphanet 140162, MedGen C0027672, MeSH D009386, MONDO:0015356.

Submission:

Ambry Genetics
Classification: Uncertain significance for Hereditary cancer-predisposing syndrome. Last evaluated: 2026-05-11. Review status: criteria provided, single submitter. Criteria: Ambry Variant Classification Scheme 2023. Collection method: clinical testing. Allele origin: germline.
Comment: The p.G1091C variant (also known as c.3271G>T), located in coding exon 19 of the PTCH1 gene, results from a G to T substitution at nucleotide position 3271. The glycine at codon 1091 is replaced by cysteine, an amino acid with highly dissimilar properties. This amino acid position is conserved. In addition, this alteration is predicted to be deleterious by in silico analysis. Based on the available evidence, the clinical significance of this alteration remains unclear.

NM_000264.5(PTCH1):c.3271G>T (p.Gly1091Cys)

Gene: PTCH1 (patched 1; minus strand). Cytogenetic location: 9q22.32.
Variant type: single nucleotide variant.
Coding change: c.3271G>T on transcript NM_000264.5 (MANE Select); coding-DNA position 3271, G replaced by T.
Protein change: p.Gly1091Cys; replaces glycine 1091 with cysteine.
Molecular consequence: missense variant. On other transcripts: non-coding transcript variant (1).
Genome position (GRCh38, 1-based): chr9:95,456,311, C>A on the plus strand (G>T on the coding strand, the complement: PTCH1 is on the minus strand). VCF-style: chr9-95456311-C-A. GRCh37 (hg19) VCF-style: chr9-98218593-C-A.
Other names: c.3073G>T, p.Gly1025Cys (NM_001083602.3); c.3268G>T, p.Gly1090Cys (NM_001083603.3); c.2818G>T, p.Gly940Cys (NM_001083604.3, NM_001083605.3, NM_001083606.3 and 1 more transcripts); c.3115G>T, p.Gly1039Cys (NM_001354918.2); short protein forms G1025C, G1039C, G1090C, G1091C, G940C.
Identifiers: ClinVar variation 3231009 (VCV003231009.2), dbSNP rs2136648026, ClinGen allele CA374112024.
Genomic context (GRCh38, chr9:95,456,311, plus strand): 5'-TTTTTGCTTCAAATGTCTCCCATACCAAAGCAACGTGAACGGTGAACTCCACTCCTATGC[C>A]AACAGAAGCGATCAGGATGACCACGGGCACGGCACTGAGCTTGATTCCGATGAGGCCCAT-3'
Protein context (NP_000255.2, residues 1081-1101): VPVVILIASV[Gly1091Cys]IGVEFTVHVA